The following is an entry in ClinVar:

NM_001291415.2(KDM6A):c.1638G>A (p.Met546Ile)

Gene: KDM6A (lysine demethylase 6A; plus strand). Cytogenetic location: Xp11.3.
Variant type: single nucleotide variant.
Coding change: c.1638G>A on transcript NM_001291415.2 (MANE Select); coding-DNA position 1638, G replaced by A.
Protein change: p.Met546Ile; replaces methionine 546 with isoleucine.
Molecular consequence: missense variant. On other transcripts: intron variant (2).
Genome position (GRCh38, 1-based): chrX:45,062,703, G>A. VCF-style: chrX-45062703-G-A. GRCh37 (hg19) VCF-style: chrX-44921948-G-A.
Other names: c.1503G>A, p.Met501Ile (NM_001291416.2, NM_001419811.1); c.1347G>A, p.Met449Ile (NM_001291417.2); c.594G>A, p.Met198Ile (NM_001291421.2); c.1638G>A, p.Met546Ile (NM_001419809.1); c.1482G>A, p.Met494Ile (NM_001419812.1, NM_021140.4); c.1426-719G>A (NM_001410742.1); c.1291-719G>A (NM_001291418.2); short protein forms M198I, M449I, M494I, M501I, M546I.
Identifiers: ClinVar variation 2577632 (VCV002577632.1), dbSNP rs2044353433, ClinGen allele CA412787039.

ClinVar aggregate classification (germline): Uncertain significance (1 of 4 stars; one submission).

Allele frequency attached by ClinVar (database versions not stated): gnomAD exomes below 0.00001; TOPMed below 0.00001.
gnomAD v4.1: 4 of 1,204,718 alleles (0.00033%); highest among the groups gnomAD compares: Non-Finnish European, 0.00045%; no homozygotes.

Submission:

GeneDx
Classification: Uncertain significance. Last evaluated: 2023-02-23. Review status: criteria provided, single submitter. Criteria: GeneDx Variant Classification Process June 2021. Collection method: clinical testing. Allele origin: germline. Affected: yes.
Comment: Not observed at significant frequency in large population cohorts (gnomAD); In silico analysis supports that this missense variant does not alter protein structure/function; Has not been previously published as pathogenic or benign to our knowledge